The following is an entry in ClinVar:

ClinVar aggregate classification (germline): Uncertain significance (1 of 4 stars; one submission).

Submission:

GeneDx
Classification: Uncertain significance. Last evaluated: 2025-01-08. Review status: criteria provided, single submitter. Criteria: GeneDx Variant Classification Process June 2021. Collection method: clinical testing. Allele origin: germline. Affected: yes.
Comment: Not observed at significant frequency in large population cohorts (gnomAD); In silico analysis supports that this missense variant has a deleterious effect on protein structure/function; Has not been previously published as pathogenic or benign to our knowledge

NM_001353345.2(SETD1B):c.4367A>C (p.Asp1456Ala)

Gene: SETD1B (SET domain containing 1B, histone lysine methyltransferase; plus strand). Cytogenetic location: 12q24.31.
Variant type: single nucleotide variant.
Coding change: c.4367A>C on transcript NM_001353345.2 (MANE Select); coding-DNA position 4367, A replaced by C.
Protein change: p.Asp1456Ala; replaces aspartic acid 1456 with alanine.
Molecular consequence: missense variant.
Genome position (GRCh38, 1-based): chr12:121,822,946, A>C. VCF-style: chr12-121822946-A-C. GRCh37 (hg19) VCF-style: chr12-122260852-A-C.
Other names: short protein forms D1456A.
Identifiers: ClinVar variation 4070661 (VCV004070661.1).